The following is an entry in ClinVar:

NM_018896.5(CACNA1G):c.6692del (p.Pro2231fs)

Gene: CACNA1G (calcium voltage-gated channel subunit alpha1 G; plus strand). Cytogenetic location: 17q21.33.
Variant type: Deletion.
Coding change: c.6692del on transcript NM_018896.5 (MANE Select); coding-DNA position 6692, one base deleted (C; older notation c.6692delC).
Protein change: p.Pro2231fs; shifts the reading frame from proline 2231.
Molecular consequence: frameshift variant. On other transcripts: non-coding transcript variant (5), intron variant (3).
Genome position (GRCh38, 1-based): chr17:50,626,309, C deleted; the last of 5 consecutive C bases (chr17:50,626,305-50,626,309); deleting any one gives the same sequence. VCF-style (leftmost placement, unchanged base first): chr17-50626304-GC-G. GRCh37 (hg19) VCF-style: chr17-48703665-GC-G.
Other names: c.6503del, p.Pro2168fs (NM_001256324.2); c.6434del, p.Pro2145fs (NM_001256325.2); c.6422del, p.Pro2141fs (NM_001256326.2); c.6392del, p.Pro2131fs (NM_001256327.2); c.6338del, p.Pro2113fs (NM_001256328.2); c.6311del, p.Pro2104fs (NM_001256329.2, NM_198387.3); c.6278del, p.Pro2093fs (NM_001256330.2); c.6257del, p.Pro2086fs (NM_001256331.2); and 19 more; short protein forms P2081fs, P2086fs, P2093fs, P2097fs, P2100fs, P2102fs, P2104fs, P2111fs.
Identifiers: ClinVar variation 3063747 (VCV003063747.1), dbSNP rs2545918546, ClinGen allele CA2638778234.

ClinVar aggregate classification (germline): Uncertain significance (1 of 4 stars; one submission).

Submission:

Women's Health and Genetics/Laboratory Corporation of America, LabCorp
Classification: Uncertain significance. Last evaluated: 2024-01-03. Review status: criteria provided, single submitter. Criteria: LabCorp Variant Classification Summary - May 2015. Collection method: clinical testing. Allele origin: germline.
Comment: Variant summary: CACNA1G c.6692delC (p.Pro2231LeufsX13) results in a premature termination codon and although it is not expected to cause absence of the protein due to nonsense mediated decay, it is predicted to cause a truncation of the encoded protein. However the molecular mechanism of disease attributed to CACNA1G is gain-of-function. The variant was absent in 248044 control chromosomes (gnomAD). The available data on variant occurrences in the general population are insufficient to allow any conclusion about variant significance. To our knowledge, no occurrence of c.6692delC in individuals affected with Spinocerebellar Ataxia Type 42 and no experimental evidence demonstrating its impact on protein function have been reported. No submitters have cited clinical-significance assessments for this variant to ClinVar after 2014. Based on the evidence outlined above, the variant was classified as uncertain significance.